The following is an entry in ClinVar:

ClinVar aggregate classification (germline): Pathogenic/Likely pathogenic. Review status: criteria provided, multiple submitters, no conflicts (2 of 4 stars). 5 submissions from 5 submitters: Pathogenic (4); Likely pathogenic (1). Last evaluated 2026-06-29.

Conditions:
Brody myopathy. Also called: BRODY DISEASE. Identifiers: Orphanet 53347, MedGen C1832918, MONDO:0010977, OMIM 601003.
Inborn genetic diseases. Identifiers: MedGen C0950123, MeSH D030342.

Allele frequency attached by ClinVar (database versions not stated): TOPMed 0.00003; gnomAD 0.00001; gnomAD exomes 0.00004; ExAC 0.00003.
gnomAD v4.1: 75 of 1,613,332 alleles (0.0046%); highest among the groups gnomAD compares: Non-Finnish European, 0.0063%; no homozygotes.

Submissions (6):

Ambry Genetics
Classification: Pathogenic for Inborn genetic diseases. Last evaluated: 2026-06-29. Review status: criteria provided, single submitter. Criteria: Ambry Variant Classification Scheme 2023. Collection method: clinical testing. Allele origin: germline.
Comment: The c.1184+1G>A intronic alteration consists of a G to A substitution nucleotides after coding exon 10 in the ATP2A1 gene. Based on data from gnomAD, the A allele has an overall frequency of 0.004% (11/250582) total alleles studied. The highest observed frequency was 0.008% (9/113234) of European (non-Finnish) alleles. This variant has been identified in the homozygous state and/or in conjunction with other ATP2A1 variant(s) in individual(s) with features consistent with Brody myopathy (Verhoeven, 2024). This nucleotide position is highly conserved in available vertebrate species. In silico splice site analysis predicts that this alteration will weaken the native splice donor site and may result in the creation or strengthening of a novel splice donor site. Based on the available evidence, this alteration is classified as pathogenic.

Labcorp Genetics (formerly Invitae), Labcorp
Classification: Pathogenic for Brody myopathy. Last evaluated: 2026-01-27. Review status: criteria provided, single submitter. Criteria: Invitae Variant Classification Sherloc (09022015). Collection method: clinical testing. Allele origin: germline.
Comment: This sequence change affects a donor splice site in intron 10 of the ATP2A1 gene. It is expected to disrupt RNA splicing. Variants that disrupt the donor or acceptor splice site typically lead to a loss of protein function (PMID: 16199547), and loss-of-function variants in ATP2A1 are known to be pathogenic (PMID: 8841193, 10914677, 23911890). This variant is present in population databases (rs551660089, gnomAD 0.009%). Disruption of this splice site has been observed in individual(s) with Brody myopathy (PMID: 38373275). In at least one individual the data is consistent with being in trans (on the opposite chromosome) from a pathogenic variant. It has also been observed to segregate with disease in related individuals. ClinVar contains an entry for this variant (Variation ID: 392313). Algorithms developed to predict the effect of sequence changes on RNA splicing suggest that this variant may disrupt the consensus splice site. For these reasons, this variant has been classified as Pathogenic.

GeneDx
Classification: Pathogenic. Last evaluated: 2026-01-24. Review status: criteria provided, single submitter. Criteria: GeneDx Variant Classification Process June 2021. Collection method: clinical testing. Allele origin: germline. Affected: yes.
Comment: Reported previously, with a second variant, in siblings with abnormal walking pattern, muscle stiffness, and delayed muscle relaxation; however, parental segregation was not provided (PMID: 38373275); Canonical splice site variant predicted to result in a null allele in a gene for which loss of function is a known mechanism of disease; Not observed at significant frequency in large population cohorts (gnomAD); This variant is associated with the following publications: (PMID: 38373275)

Department of Pathology and Laboratory Medicine, Sinai Health System
Classification: Likely pathogenic for Brody myopathy. Last evaluated: 2023-08-29. Review status: criteria provided, single submitter. Criteria: ACMG Guidelines, 2015. Collection method: research. Allele origin: germline.

Revvity Omics, Revvity
Classification: Pathogenic for Brody myopathy. Last evaluated: 2020-07-28. Review status: criteria provided, single submitter. Criteria: ACMG Guidelines, 2015. Collection method: clinical testing. Allele origin: germline.

Dr. Peter K. Rogan Lab, Western University
No classification provided (evidence only). Condition: Familial cancer of breast. Review status: no classification provided. Collection method: in vitro. Allele origin: not applicable. Functional consequence: retained intron. Not counted in ClinVar's aggregate classification.

Literature cited by the submitters: PubMed 38373275 (cited by Ambry Genetics and Labcorp Genetics (formerly Invitae), Labcorp); PubMed 16199547 (cited by Labcorp Genetics (formerly Invitae), Labcorp); PubMed 8841193 (cited by Labcorp Genetics (formerly Invitae), Labcorp); PubMed 10914677 (cited by Labcorp Genetics (formerly Invitae), Labcorp); PubMed 23911890 (cited by Labcorp Genetics (formerly Invitae), Labcorp).

NM_004320.6(ATP2A1):c.1184+1G>A

Gene: ATP2A1 (ATPase sarcoplasmic/endoplasmic reticulum Ca2+ transporting 1; plus strand). Cytogenetic location: 16p11.2.
Variant type: single nucleotide variant.
Coding change: c.1184+1G>A on transcript NM_004320.6 (MANE Select); the canonical splice donor site of the intron after coding-DNA position 1184, G replaced by A.
Molecular consequence: splice donor variant.
Genome position (GRCh38, 1-based): chr16:28,894,244, G>A. VCF-style: chr16-28894244-G-A. GRCh37 (hg19) VCF-style: chr16-28905565-G-A.
Other names: c.1184+1G>A (NM_173201.5); c.809+1G>A (NM_001286075.2).
Identifiers: ClinVar variation 392313 (VCV000392313.18), dbSNP rs551660089, ClinGen allele CA7986871.